The following is an entry in ClinVar:

NM_001042492.3(NF1):c.7192T>G (p.Tyr2398Asp)

Gene: NF1 (neurofibromin 1; plus strand). Cytogenetic location: 17q11.2.
Variant type: single nucleotide variant.
Coding change: c.7192T>G on transcript NM_001042492.3 (MANE Select); coding-DNA position 7192, T replaced by G.
Protein change: p.Tyr2398Asp; replaces tyrosine 2398 with aspartic acid.
Molecular consequence: missense variant.
Genome position (GRCh38, 1-based): chr17:31,349,122, T>G. VCF-style: chr17-31349122-T-G. GRCh37 (hg19) VCF-style: chr17-29676140-T-G.
Other names: c.7129T>G, p.Tyr2377Asp (NM_000267.4); short protein forms Y2377D, Y2398D.
Identifiers: ClinVar variation 4724467 (VCV004724467.1).
Genomic context (GRCh38, chr17:31,349,122, plus strand): 5'-GCTTGTTCAAAAAATTAATTCTTACTTGTTTGTTTGTTTGTTTGTTTGTTTTTTGTAGGG[T>G]ACAGGCATCCTTCACCTGCTATTGTTGCAAGAACAGTCAGAATTTTACATACACTACTAA-3'
Protein context (NP_001035957.1, residues 2388-2408): FALVGHLLKG[Tyr2398Asp]RHPSPAIVAR

ClinVar aggregate classification (germline): Uncertain significance (1 of 4 stars; one submission).

Conditions:
Neurofibromatosis, type 1 (NF1). Also called: NEUROFIBROMATOSIS, TYPE I, SOMATIC; VON RECKLINGHAUSEN DISEASE; Peripheral type neurofibromatosis; Neurofibromatosis, type I. Identifiers: Orphanet 636, MedGen C0027831, MONDO:0018975, OMIM 162200. Disease mechanism: loss of function.

Submission:

Labcorp Genetics (formerly Invitae), Labcorp
Classification: Uncertain significance for Neurofibromatosis, type 1. Last evaluated: 2025-07-30. Review status: criteria provided, single submitter. Criteria: Invitae Variant Classification Sherloc (09022015). Collection method: clinical testing. Allele origin: germline.
Comment: This sequence change replaces tyrosine, which is neutral and polar, with aspartic acid, which is acidic and polar, at codon 2377 of the NF1 protein (p.Tyr2377Asp). This variant is not present in population databases (gnomAD no frequency). This variant has not been reported in the literature in individuals affected with NF1-related conditions. An algorithm developed to predict the effect of missense changes on protein structure and function (PolyPhen-2) suggests that this variant is likely to be tolerated. In summary, the available evidence is currently insufficient to determine the role of this variant in disease. Therefore, it has been classified as a Variant of Uncertain Significance.